The following is an entry in ClinVar:

ClinVar aggregate classification (germline): Uncertain significance (1 of 4 stars; one submission).

Submission:

Dasa
Classification: Uncertain significance. Last evaluated: 2025-12-23. Review status: criteria provided, single submitter. Criteria: DASA Assertion Criteria. Collection method: clinical testing. Allele origin: germline.
Comment: NM_005035.4(POLRMT):c.571C>G (p.Leu191Val) is a missense variant that results in the substitution of leucine with valine. This variant is rare in population databases. Computational prediction algorithms are consistent with a benign effect. The currently available literature and clinical evidence are not sufficient to establish a definitive association between this variant and the reported condition. Therefore, this variant is classified as a variant of uncertain significance.

NM_005035.4(POLRMT):c.571C>G (p.Leu191Val)

Gene: POLRMT (RNA polymerase mitochondrial; minus strand). Cytogenetic location: 19p13.3.
Variant type: single nucleotide variant.
Coding change: c.571C>G on transcript NM_005035.4 (MANE Select); coding-DNA position 571, C replaced by G.
Protein change: p.Leu191Val; replaces leucine 191 with valine.
Molecular consequence: missense variant. On other transcripts: non-coding transcript variant (1).
Genome position (GRCh38, 1-based): chr19:629,791, G>C on the plus strand (C>G on the coding strand, the complement: POLRMT is on the minus strand). VCF-style: chr19-629791-G-C. GRCh37 (hg19) VCF-style: chr19-629791-G-C.
Other names: c.571C>G, p.Leu191Val (NM_001407805.1, NM_001407806.1, NM_001407807.1 and 12 more transcripts); c.247C>G, p.Leu83Val (NM_001407831.1, NM_001407833.1, NM_001407834.1 and 2 more transcripts); short protein forms L191V, L83V.
Identifiers: ClinVar variation 4880910 (VCV004880910.2).